The following is an entry in ClinVar:

ClinVar aggregate classification (germline): Uncertain significance (1 of 4 stars; one submission).

Conditions:
Mitochondrial complex I deficiency, nuclear type 30. Also called: Mitochondrial complex 1 deficiency, nuclear type 30. Identifiers: MedGen C4746985, MONDO:0026721, OMIM 301021.

Submission:

3billion
Classification: Uncertain significance for Mitochondrial complex I deficiency, nuclear type 30. Last evaluated: 2025-01-29. Review status: criteria provided, single submitter. Criteria: ACMG Guidelines, 2015. Collection method: clinical testing. Allele origin: germline. Affected: yes.
Comment: The variant is not observed in the gnomAD v4.1.0 dataset. Predicted Consequence/Location: Synonymous variant In silico tools predict the variant to alter splicing and produce an abnormal transcript [SpliceAI: 0.75 (>=0.2, moderate evidence for spliceogenicity)]. Therefore, this variant is classified as VUS according to the recommendation of ACMG/AMP guideline.

NM_001135998.3(NDUFB11):c.300C>A (p.Val100=)

Gene: NDUFB11 (NADH:ubiquinone oxidoreductase subunit B11; minus strand). Cytogenetic location: Xp11.3.
Variant type: single nucleotide variant.
Coding change: c.300C>A on transcript NM_001135998.3 (MANE Select); coding-DNA position 300, C replaced by A.
Protein change: p.Val100=; no amino-acid change (valine 100 retained).
Molecular consequence: synonymous variant.
Genome position (GRCh38, 1-based): chrX:47,142,652, G>T on the plus strand (C>A on the coding strand, the complement: NDUFB11 is on the minus strand). VCF-style: chrX-47142652-G-T. GRCh37 (hg19) VCF-style: chrX-47002051-G-T.
Other names: c.300C>A, p.Val100= (NM_019056.7).
Identifiers: ClinVar variation 4294065 (VCV004294065.1).